The following is an entry in ClinVar:

ClinVar aggregate classification (germline): Uncertain significance (1 of 4 stars; one submission).

Submission:

Labcorp Genetics (formerly Invitae), Labcorp
Classification: Uncertain significance. Last evaluated: 2025-06-09. Review status: criteria provided, single submitter. Criteria: Invitae Variant Classification Sherloc (09022015). Collection method: clinical testing. Allele origin: germline.
Comment: This sequence change replaces isoleucine, which is neutral and non-polar, with valine, which is neutral and non-polar, at codon 1813 of the FN1 protein (p.Ile1813Val). This variant is not present in population databases (gnomAD no frequency). This missense change has been observed in individual(s) with chronic kidney disease (PMID: 31328266). ClinVar contains an entry for this variant (Variation ID: 3689425). An algorithm developed to predict the effect of missense changes on protein structure and function (PolyPhen-2) suggests that this variant is likely to be disruptive. In summary, the available evidence is currently insufficient to determine the role of this variant in disease. Therefore, it has been classified as a Variant of Uncertain Significance.

Literature cited by the submitters: PubMed 31328266.

NM_212482.4(FN1):c.5437A>G (p.Ile1813Val)

Gene: FN1 (fibronectin 1; minus strand). Cytogenetic location: 2q35.
Variant type: single nucleotide variant.
Coding change: c.5437A>G on transcript NM_212482.4 (MANE Select); coding-DNA position 5437, A replaced by G.
Protein change: p.Ile1813Val; replaces isoleucine 1813 with valine.
Molecular consequence: missense variant.
Genome position (GRCh38, 1-based): chr2:215,379,315, T>C on the plus strand (A>G on the coding strand, the complement: FN1 is on the minus strand). VCF-style: chr2-215379315-T-C. GRCh37 (hg19) VCF-style: chr2-216244038-T-C.
Other names: c.5437A>G, p.Ile1813Val (NM_001306129.2); c.5167A>G, p.Ile1723Val (NM_001306130.2, NM_001365517.2, NM_001365519.2 and 2 more transcripts); c.4894A>G, p.Ile1632Val (NM_001306131.2, NM_001306132.2, NM_212474.3 and 2 more transcripts); c.5164A>G, p.Ile1722Val (NM_212478.3, NM_001365518.2, NM_001365520.2 and 2 more transcripts); short protein forms I1723V, I1813V, I1722V, I1632V.
Identifiers: ClinVar variation 3689425 (VCV003689425.2).